The following is an entry in ClinVar:

ClinVar aggregate classification (germline): Uncertain significance (1 of 4 stars; one submission).

Conditions:
Peroxisome biogenesis disorder 3A (Zellweger). Also called: PEROXISOMAL BIOGENESIS DISORDER 3A (ZELLWEGER); Peroxisome biogenesis disorder 3A. Identifiers: Orphanet 912, MedGen C3553929, MONDO:0013927, OMIM 614859.

Allele frequency attached by ClinVar (database versions not stated): gnomAD exomes below 0.00001; gnomAD 0.00001; TOPMed 0.00001.

Submission:

Labcorp Genetics (formerly Invitae), Labcorp
Classification: Uncertain significance for Peroxisome biogenesis disorder 3A (Zellweger). Last evaluated: 2021-08-28. Review status: criteria provided, single submitter. Criteria: Invitae Variant Classification Sherloc (09022015). Collection method: clinical testing. Allele origin: germline.
Comment: This sequence change replaces proline with serine at codon 148 of the PEX12 protein (p.Pro148Ser). The proline residue is moderately conserved and there is a moderate physicochemical difference between proline and serine. This variant is not present in population databases (ExAC no frequency). This variant has not been reported in the literature in individuals affected with PEX12-related conditions. Algorithms developed to predict the effect of missense changes on protein structure and function are either unavailable or do not agree on the potential impact of this missense change (SIFT: "Tolerated"; PolyPhen-2: "Probably Damaging"; Align-GVGD: "Class C0"). In summary, the available evidence is currently insufficient to determine the role of this variant in disease. Therefore, it has been classified as a Variant of Uncertain Significance.

NM_000286.3(PEX12):c.442C>T (p.Pro148Ser)

Gene: PEX12 (peroxisomal biogenesis factor 12; minus strand). Cytogenetic location: 17q12.
Variant type: single nucleotide variant.
Coding change: c.442C>T on transcript NM_000286.3 (MANE Select); coding-DNA position 442, C replaced by T.
Protein change: p.Pro148Ser; replaces proline 148 with serine.
Molecular consequence: missense variant.
Genome position (GRCh38, 1-based): chr17:35,577,276, G>A on the plus strand (C>T on the coding strand, the complement: PEX12 is on the minus strand). VCF-style: chr17-35577276-G-A. GRCh37 (hg19) VCF-style: chr17-33904295-G-A.
Other names: short protein forms P148S.
Identifiers: ClinVar variation 848174 (VCV000848174.4), dbSNP rs1324878121, ClinGen allele CA399138122.